The following is an entry in ClinVar:

ClinVar aggregate classification (germline): Uncertain significance (0 of 4 stars; one submission).

Conditions:
FASN-related disorder. Also called: FASN-related condition.

Submission:

PreventionGenetics, part of Exact Sciences
Classification: Uncertain significance for FASN-related condition. Last evaluated: 2024-04-29. Review status: no assertion criteria provided. Collection method: clinical testing. Allele origin: germline.
Comment: The FASN c.4131G>A variant is predicted to result in premature protein termination (p.Trp1377*). To our knowledge, this variant has not been reported in the literature or in a large population database, indicating this variant is rare. Of note, loss of function variants in FASN have not conclusively been associated with disease. At this time, the clinical significance of this variant is uncertain due to the absence of conclusive functional and genetic evidence.

NM_004104.5(FASN):c.4131G>A (p.Trp1377Ter)

Gene: FASN (fatty acid synthase; minus strand). Cytogenetic location: 17q25.3.
Variant type: single nucleotide variant.
Coding change: c.4131G>A on transcript NM_004104.5 (MANE Select); coding-DNA position 4131, G replaced by A.
Protein change: p.Trp1377Ter; replaces tryptophan 1377 with a stop codon.
Molecular consequence: nonsense.
Genome position (GRCh38, 1-based): chr17:82,085,394, C>T on the plus strand (G>A on the coding strand, the complement: FASN is on the minus strand). VCF-style: chr17-82085394-C-T. GRCh37 (hg19) VCF-style: chr17-80043270-C-T.
Other names: short protein forms W1377*.
Identifiers: ClinVar variation 3346653 (VCV003346653.1).
Genomic context (GRCh38, chr17:82,085,394, plus strand): 5'-GCCGTAGAAGGACTTCTTCAGGCCCACCAGGCGCAGCGACACCCTGGAGAAGAGGCTCTC[C>T]CACGCGTCCTGTGGGGGCGGTGGTCAGCACCCTGCCCGCCTGGCCCTCACCCGGCCCCCA-3'